The following is an entry in ClinVar:

NM_001303256.3(MORC2):c.361A>G (p.Lys121Glu)

Gene: MORC2 (MORC family CW-type zinc finger 2; minus strand). Cytogenetic location: 22q12.2.
Variant type: single nucleotide variant.
Coding change: c.361A>G on transcript NM_001303256.3 (MANE Select); coding-DNA position 361, A replaced by G.
Protein change: p.Lys121Glu; replaces lysine 121 with glutamic acid.
Molecular consequence: missense variant.
Genome position (GRCh38, 1-based): chr22:30,946,406, T>C on the plus strand (A>G on the coding strand, the complement: MORC2 is on the minus strand). VCF-style: chr22-30946406-T-C. GRCh37 (hg19) VCF-style: chr22-31342393-T-C.
Other names: c.361A>G, p.Lys121Glu (NM_001303257.2); c.175A>G, p.Lys59Glu (NM_014941.3); short protein forms K121E, K59E.
Identifiers: ClinVar variation 1041322 (VCV001041322.7), dbSNP rs2040816732, ClinGen allele CA411244839.

ClinVar aggregate classification (germline): Uncertain significance (1 of 4 stars; one submission).

Conditions:
Charcot-Marie-Tooth disease axonal type 2Z. Also called: CHARCOT-MARIE-TOOTH DISEASE, AXONAL, AUTOSOMAL DOMINANT, TYPE 2Z; CHARCOT-MARIE-TOOTH NEUROPATHY, TYPE 2Z. Identifiers: Orphanet 466768, MedGen C5569025, MONDO:0014736, OMIM 616688.

Allele frequency attached by ClinVar (database versions not stated): TOPMed 0.00001.

Submission:

Labcorp Genetics (formerly Invitae), Labcorp
Classification: Uncertain significance for Charcot-Marie-Tooth disease axonal type 2Z. Last evaluated: 2021-03-17. Review status: criteria provided, single submitter. Criteria: Invitae Variant Classification Sherloc (09022015). Collection method: clinical testing. Allele origin: germline.
Comment: This sequence change replaces lysine with glutamic acid at codon 121 of the MORC2 protein (p.Lys121Glu). The lysine residue is highly conserved and there is a small physicochemical difference between lysine and glutamic acid. This variant is not present in population databases (ExAC no frequency). This variant has not been reported in the literature in individuals with MORC2-related conditions. Algorithms developed to predict the effect of missense changes on protein structure and function are either unavailable or do not agree on the potential impact of this missense change (SIFT: "Not Available"; PolyPhen-2: "Benign"; Align-GVGD: "Not Available"). In summary, the available evidence is currently insufficient to determine the role of this variant in disease. Therefore, it has been classified as a Variant of Uncertain Significance.